The following is an entry in ClinVar:

ClinVar aggregate classification (germline): Uncertain significance (1 of 4 stars; one submission).

Allele frequency attached by ClinVar (database versions not stated): TOPMed 0.00001.
gnomAD v4.1: 13 of 1,614,158 alleles (0.00081%); highest among the groups gnomAD compares: South Asian, 0.0077%; no homozygotes.

Submission:

Labcorp Genetics (formerly Invitae), Labcorp
Classification: Uncertain significance. Last evaluated: 2022-07-15. Review status: criteria provided, single submitter. Criteria: Invitae Variant Classification Sherloc (09022015). Collection method: clinical testing. Allele origin: germline.
Comment: This sequence change replaces alanine, which is neutral and non-polar, with threonine, which is neutral and polar, at codon 1385 of the ERCC6 protein (p.Ala1385Thr). The frequency data for this variant in the population databases is considered unreliable, as metrics indicate poor data quality at this position in the gnomAD database. This variant has not been reported in the literature in individuals affected with ERCC6-related conditions. Algorithms developed to predict the effect of missense changes on protein structure and function output the following: SIFT: "Tolerated"; PolyPhen-2: "Benign"; Align-GVGD: "Class C0". The threonine amino acid residue is found in multiple mammalian species, which suggests that this missense change does not adversely affect protein function. In summary, the available evidence is currently insufficient to determine the role of this variant in disease. Therefore, it has been classified as a Variant of Uncertain Significance.

NM_000124.4(ERCC6):c.4153G>A (p.Ala1385Thr)

Gene: ERCC6 (ERCC excision repair 6, chromatin remodeling factor; minus strand). Cytogenetic location: 10q11.23.
Variant type: single nucleotide variant.
Coding change: c.4153G>A on transcript NM_000124.4 (MANE Select); coding-DNA position 4153, G replaced by A.
Protein change: p.Ala1385Thr; replaces alanine 1385 with threonine.
Molecular consequence: missense variant.
Genome position (GRCh38, 1-based): chr10:49,459,144, C>T on the plus strand (G>A on the coding strand, the complement: ERCC6 is on the minus strand). VCF-style: chr10-49459144-C-T. GRCh37 (hg19) VCF-style: chr10-50667190-C-T.
Other names: c.4153G>A, p.Ala1385Thr (NM_001346440.2); short protein forms A1385T.
Identifiers: ClinVar variation 2141600 (VCV002141600.1), dbSNP rs1407837313, ClinGen allele CA376704247.